The following is an entry in ClinVar:

NM_022124.6(CDH23):c.2781C>T (p.Tyr927=)

Gene: CDH23 (cadherin related 23; plus strand). Cytogenetic location: 10q22.1.
Variant type: single nucleotide variant.
Coding change: c.2781C>T on transcript NM_022124.6 (MANE Select); coding-DNA position 2781, C replaced by T.
Protein change: p.Tyr927=; no amino-acid change (tyrosine 927 retained).
Molecular consequence: synonymous variant.
Genome position (GRCh38, 1-based): chr10:71,704,958, C>T. VCF-style: chr10-71704958-C-T. GRCh37 (hg19) VCF-style: chr10-73464715-C-T.
Other names: c.2781C>T, p.Tyr927= (NM_001171930.2, NM_001171931.2).
Identifiers: ClinVar variation 45900 (VCV000045900.23), dbSNP rs375102725, ClinGen allele CA137334.

ClinVar aggregate classification (germline): Benign/Likely benign. Review status: criteria provided, multiple submitters, no conflicts (2 of 4 stars). 7 submissions from 7 submitters: Benign (1); Likely benign (5). 1 of the submissions does not count toward it. Last evaluated 2026-05-01.

Conditions:
CDH23-related disorder. Also called: CDH23-related condition; CDH23-related disorders.

Allele frequency attached by ClinVar (database versions not stated): gnomAD exomes 0.00011 and 0.00028; ExAC 0.00038; ESP Exome Variant Server 0.00079; gnomAD 0.00119 and 0.00123; TOPMed 0.00124; 1000 Genomes Project 0.00200; 1000 Genomes Project 30x 0.00250.
gnomAD v4.1: 347 of 1,612,958 alleles (0.022%); highest among the groups gnomAD compares: African/African-American, 0.41%; 2 homozygotes.

Submissions (7):

CeGaT Center for Human Genetics Tuebingen
Classification: Likely benign. Last evaluated: 2026-05-01. Review status: criteria provided, single submitter. Criteria: CeGaT Center For Human Genetics Tuebingen Variant Classification Criteria Version 2. Collection method: clinical testing. Allele origin: germline. Affected: yes. Observed: 1 variant allele.
Comment: CDH23: BP4, BP7

Labcorp Genetics (formerly Invitae), Labcorp
Classification: Benign. Last evaluated: 2025-12-16. Review status: criteria provided, single submitter. Criteria: Invitae Variant Classification Sherloc (09022015). Collection method: clinical testing. Allele origin: germline.

Blueprint Genetics
Classification: Likely benign. Last evaluated: 2024-02-22. Review status: criteria provided, single submitter. Criteria: ACMG Guidelines, 2015. Collection method: clinical testing. Allele origin: germline.

ARUP Laboratories, Molecular Genetics and Genomics, ARUP Laboratories
Classification: Likely benign. Last evaluated: 2022-07-15. Review status: criteria provided, single submitter. Criteria: ARUP Molecular Germline Variant Investigation Process 2021. Collection method: clinical testing. Allele origin: germline.

GeneDx
Classification: Likely benign. Last evaluated: 2020-09-16. Review status: criteria provided, single submitter. Criteria: GeneDx Variant Classification Process June 2021. Collection method: clinical testing. Allele origin: germline. Affected: yes.

Laboratory for Molecular Medicine, Mass General Brigham Personalized Medicine
Classification: Likely benign. Last evaluated: 2012-03-26. Review status: criteria provided, single submitter. Criteria: LMM Criteria. Collection method: clinical testing. Allele origin: germline. Observed: 3 variant alleles.
Comment: Tyr927Tyr in exon 25 of CDH23: This variant is not expected to have clinical sig nificance because it does not alter an amino acid residue, is not located within the splice consensus sequence, and has been identified in 0.2% (7/3548) of Afri can American chromosomes in a broad population by the NHLBI Exome sequencing pro ject.

PreventionGenetics, part of Exact Sciences
Classification: Likely benign for CDH23-related condition. Last evaluated: 2024-08-23. Review status: no assertion criteria provided. Collection method: clinical testing. Allele origin: germline. Not counted in ClinVar's aggregate classification.
Comment: This variant is classified as likely benign based on ACMG/AMP sequence variant interpretation guidelines (Richards et al. 2015 PMID: 25741868, with internal and published modifications).